The following is an entry in ClinVar:

ClinVar aggregate classification (germline): Uncertain significance (0 of 4 stars; one submission).

Conditions:
ADAMTS13-related disorder. Also called: ADAMTS13-related condition.

gnomAD v4.1: 17 of 1,613,554 alleles (0.0011%); highest among the groups gnomAD compares: South Asian, 0.0099%; no homozygotes.

Submission:

PreventionGenetics, part of Exact Sciences
Classification: Uncertain significance for ADAMTS13-related condition. Last evaluated: 2024-05-31. Review status: no assertion criteria provided. Collection method: clinical testing. Allele origin: germline.
Comment: The ADAMTS13 c.568C>T variant is predicted to result in the amino acid substitution p.Arg190Trp. To our knowledge, this variant has not been reported in the literature. This variant is reported in 0.0080% of alleles in individuals of European (Finnish) descent in gnomAD. At this time, the clinical significance of this variant is uncertain due to the absence of conclusive functional and genetic evidence.

NM_139027.6(ADAMTS13):c.568C>T (p.Arg190Trp)

Gene: ADAMTS13 (ADAM metallopeptidase with thrombospondin type 1 motif 13; plus strand). Cytogenetic location: 9q34.2.
Variant type: single nucleotide variant.
Coding change: c.568C>T on transcript NM_139027.6 (MANE Select); coding-DNA position 568, C replaced by T.
Protein change: p.Arg190Trp; replaces arginine 190 with tryptophan.
Molecular consequence: missense variant. On other transcripts: non-coding transcript variant (1).
Genome position (GRCh38, 1-based): chr9:133,426,227, C>T. VCF-style: chr9-133426227-C-T. GRCh37 (hg19) VCF-style: chr9-136291347-C-T.
Other names: c.568C>T, p.Arg190Trp (NM_139025.5, NM_139026.6); short protein forms R190W.
Identifiers: ClinVar variation 3357501 (VCV003357501.1).
Genomic context (GRCh38, chr9:133,426,227, plus strand): 5'-CACCACCCAAGTGACTGTTTTCTCTCACCGAGGTTTGACCTGGAGTTGCCTGATGGTAAC[C>T]GGCAGGTGCGGGGCGTCACCCAGCTGGGCGGTGCCTGCTCCCCAACCTGGAGCTGCCTCA-3'
Protein context (NP_620596.2, residues 180-200): RFDLELPDGN[Arg190Trp]QVRGVTQLGG